The following is an entry in ClinVar:

NM_001081.4(CUBN):c.8923G>A (p.Gly2975Arg)

Gene: CUBN (cubilin; minus strand). Cytogenetic location: 10p13.
Variant type: single nucleotide variant.
Coding change: c.8923G>A on transcript NM_001081.4 (MANE Select); coding-DNA position 8923, G replaced by A.
Protein change: p.Gly2975Arg; replaces glycine 2975 with arginine.
Molecular consequence: missense variant.
Genome position (GRCh38, 1-based): chr10:16,877,080, C>T on the plus strand (G>A on the coding strand, the complement: CUBN is on the minus strand). VCF-style: chr10-16877080-C-T. GRCh37 (hg19) VCF-style: chr10-16919079-C-T.
Other names: short protein forms G2975R.
Identifiers: ClinVar variation 2913097 (VCV002913097.3), dbSNP rs1485719380, ClinGen allele CA376131839.

ClinVar aggregate classification (germline): Uncertain significance (1 of 4 stars; one submission).

Conditions:
Imerslund-Grasbeck syndrome. Also called: Imerslund-Gräsbeck syndrome; Megaloblastic anemia due to inborn errors of metabolism; ENTEROCYTE COBALAMIN MALABSORPTION; ENTEROCYTE INTRINSIC FACTOR RECEPTOR, DEFECT OF; PERNICIOUS ANEMIA, JUVENILE, DUE TO SELECTIVE INTESTINAL MALABSORPTION OF VITAMIN B12, WITH PROTEINURIA. Identifiers: Orphanet 35858, MedGen C4551825, MONDO:0009853.

Allele frequency attached by ClinVar (database versions not stated): gnomAD 0.00001; gnomAD exomes 0.00001.
gnomAD v4.1: 7 of 1,613,610 alleles (0.00043%); highest among the groups gnomAD compares: Admixed American, 0.0017%; no homozygotes.

Submission:

Labcorp Genetics (formerly Invitae), Labcorp
Classification: Uncertain significance for Imerslund-Grasbeck syndrome. Last evaluated: 2023-06-17. Review status: criteria provided, single submitter. Criteria: Invitae Variant Classification Sherloc (09022015). Collection method: clinical testing. Allele origin: germline.
Comment: In summary, the available evidence is currently insufficient to determine the role of this variant in disease. Therefore, it has been classified as a Variant of Uncertain Significance. An algorithm developed to predict the effect of missense changes on protein structure and function (PolyPhen-2) suggests that this variant is likely to be tolerated. This variant has not been reported in the literature in individuals affected with CUBN-related conditions. This variant is present in population databases (no rsID available, gnomAD 0.002%). This sequence change replaces glycine, which is neutral and non-polar, with arginine, which is basic and polar, at codon 2975 of the CUBN protein (p.Gly2975Arg).